The following is an entry in ClinVar:

NM_005529.7(HSPG2):c.5597C>T (p.Pro1866Leu)

Gene: HSPG2 (heparan sulfate proteoglycan 2; minus strand). Cytogenetic location: 1p36.12.
Variant type: single nucleotide variant.
Coding change: c.5597C>T on transcript NM_005529.7 (MANE Select); coding-DNA position 5597, C replaced by T.
Protein change: p.Pro1866Leu; replaces proline 1866 with leucine.
Molecular consequence: missense variant.
Genome position (GRCh38, 1-based): chr1:21,855,891, G>A on the plus strand (C>T on the coding strand, the complement: HSPG2 is on the minus strand). VCF-style: chr1-21855891-G-A. GRCh37 (hg19) VCF-style: chr1-22182384-G-A.
Other names: c.5600C>T, p.Pro1867Leu (NM_001291860.2); short protein forms P1866L, P1867L.
Identifiers: ClinVar variation 1304674 (VCV001304674.7), dbSNP rs776777612, ClinGen allele CA671856.

ClinVar aggregate classification (germline): Uncertain significance. Review status: criteria provided, multiple submitters, no conflicts (2 of 4 stars). 3 submissions from 3 submitters: Uncertain significance (3). Last evaluated 2025-12-16.

Conditions:
Inborn genetic diseases. Identifiers: MedGen C0950123, MeSH D030342.

gnomAD v4.1: 103 of 1,611,086 alleles (0.0064%); highest among the groups gnomAD compares: Non-Finnish European, 0.0086%; no homozygotes.

Submissions (3):

Ambry Genetics
Classification: Uncertain significance for Inborn genetic diseases. Last evaluated: 2025-12-16. Review status: criteria provided, single submitter. Criteria: Ambry Variant Classification Scheme 2023. Collection method: clinical testing. Allele origin: germline.

Labcorp Genetics (formerly Invitae), Labcorp
Classification: Uncertain significance. Last evaluated: 2023-11-15. Review status: criteria provided, single submitter. Criteria: Invitae Variant Classification Sherloc (09022015). Collection method: clinical testing. Allele origin: germline.
Comment: This sequence change replaces proline, which is neutral and non-polar, with leucine, which is neutral and non-polar, at codon 1866 of the HSPG2 protein (p.Pro1866Leu). This variant is present in population databases (rs776777612, gnomAD 0.005%). This variant has not been reported in the literature in individuals affected with HSPG2-related conditions. ClinVar contains an entry for this variant (Variation ID: 1304674). An algorithm developed to predict the effect of missense changes on protein structure and function (PolyPhen-2) suggests that this variant is likely to be disruptive. In summary, the available evidence is currently insufficient to determine the role of this variant in disease. Therefore, it has been classified as a Variant of Uncertain Significance.

GeneDx
Classification: Uncertain significance. Last evaluated: 2019-07-09. Review status: criteria provided, single submitter. Criteria: GeneDx Variant Classification Process June 2021. Collection method: clinical testing. Allele origin: germline. Affected: yes.
Comment: Has not been previously published as pathogenic or benign to our knowledge